The following is an entry in ClinVar:

ClinVar aggregate classification (germline): Uncertain significance. Review status: criteria provided, multiple submitters, no conflicts (2 of 4 stars). 2 submissions from 2 submitters: Uncertain significance (2). Last evaluated 2025-08-07.

Submissions (2):

GeneDx
Classification: Uncertain significance. Last evaluated: 2025-08-07. Review status: criteria provided, single submitter. Criteria: GeneDx Variant Classification Process June 2021. Collection method: clinical testing. Allele origin: germline.
Comment: In silico analysis supports that this missense variant has a deleterious effect on protein structure/function; Has not been previously published as pathogenic or benign to our knowledge; Variants in candidate genes are classified as variants of uncertain significance in accordance with ACMG guidelines (PMID: 25741868)

Ambry Genetics
Classification: Uncertain significance. Last evaluated: 2024-12-25. Review status: criteria provided, single submitter. Criteria: Ambry Variant Classification Scheme 2023. Collection method: clinical testing. Allele origin: germline.

NM_006016.6(CD164):c.222C>A (p.Ser74Arg)

Gene: CD164 (CD164 molecule; minus strand). Cytogenetic location: 6q21.
Variant type: single nucleotide variant.
Coding change: c.222C>A on transcript NM_006016.6 (MANE Select); coding-DNA position 222, C replaced by A.
Protein change: p.Ser74Arg; replaces serine 74 with arginine.
Molecular consequence: missense variant.
Genome position (GRCh38, 1-based): chr6:109,379,616, G>T on the plus strand (C>A on the coding strand, the complement: CD164 is on the minus strand). VCF-style: chr6-109379616-G-T. GRCh37 (hg19) VCF-style: chr6-109700819-G-T.
Other names: c.222C>A, p.Ser74Arg (NM_001142401.3, NM_001142402.3, NM_001142403.3 and 1 more transcripts); c.120C>A, p.Ser40Arg (NM_001346500.2); short protein forms S40R, S74R.
Identifiers: ClinVar variation 3829389 (VCV003829389.2).